The following is an entry in ClinVar:

ClinVar aggregate classification (germline): Uncertain significance (1 of 4 stars; one submission).

Submission:

Labcorp Genetics (formerly Invitae), Labcorp
Classification: Uncertain significance. Last evaluated: 2025-04-14. Review status: criteria provided, single submitter. Criteria: Invitae Variant Classification Sherloc (09022015). Collection method: clinical testing. Allele origin: germline.
Comment: This sequence change replaces arginine, which is basic and polar, with glycine, which is neutral and non-polar, at codon 382 of the TCIRG1 protein (p.Arg382Gly). This variant is not present in population databases (gnomAD no frequency). This variant has not been reported in the literature in individuals affected with TCIRG1-related conditions. ClinVar contains an entry for this variant (Variation ID: 2415682). Invitae Evidence Modeling of protein sequence and biophysical properties (such as structural, functional, and spatial information, amino acid conservation, physicochemical variation, residue mobility, and thermodynamic stability) indicates that this missense variant is not expected to disrupt TCIRG1 protein function with a negative predictive value of 80%. In summary, the available evidence is currently insufficient to determine the role of this variant in disease. Therefore, it has been classified as a Variant of Uncertain Significance.

NM_006019.4(TCIRG1):c.1144C>G (p.Arg382Gly)

Gene: TCIRG1 (T cell immune regulator 1, ATPase H+ transporting V0 subunit a3; plus strand). Cytogenetic location: 11q13.2.
Variant type: single nucleotide variant.
Coding change: c.1144C>G on transcript NM_006019.4 (MANE Select); coding-DNA position 1144, C replaced by G.
Protein change: p.Arg382Gly; replaces arginine 382 with glycine.
Molecular consequence: missense variant.
Genome position (GRCh38, 1-based): chr11:68,045,081, C>G. VCF-style: chr11-68045081-C-G. GRCh37 (hg19) VCF-style: chr11-67812548-C-G.
Other names: c.250C>G, p.Arg84Gly (NM_001351059.2); c.496C>G, p.Arg166Gly (NM_006053.4); short protein forms R166G, R382G, R84G.
Identifiers: ClinVar variation 2415682 (VCV002415682.6), dbSNP rs566684294, ClinGen allele CA381581469.
Genomic context (GRCh38, chr11:68,045,081, plus strand): 5'-ATCCGCACCAACCGCTTCACGGCCAGCTTCCAGGGCATCGTGGATGCCTACGGCGTGGGC[C>G]GCTACCAGGAGGTCAACCCCGGTGAGAGCCACGGCATCCTTACCCGTGTCCTGGGAGGCT-3'
Protein context (NP_006010.2, residues 372-392): QGIVDAYGVG[Arg382Gly]YQEVNPAPYT